The following is an entry in ClinVar:

ClinVar aggregate classification (germline): Uncertain significance (1 of 4 stars; one submission).

Conditions:
Inborn genetic diseases. Identifiers: MedGen C0950123, MeSH D030342.

Allele frequency attached by ClinVar (database versions not stated): gnomAD 0.00001; ExAC 0.00001.

Submission:

Ambry Genetics
Classification: Uncertain significance for Inborn genetic diseases. Last evaluated: 2023-12-24. Review status: criteria provided, single submitter. Criteria: Ambry Variant Classification Scheme 2023. Collection method: clinical testing. Allele origin: germline.
Comment: The p.L29V variant (also known as c.85C>G), located in coding exon 1 of the ACD gene, results from a C to G substitution at nucleotide position 85. The leucine at codon 29 is replaced by valine, an amino acid with highly similar properties. This amino acid position is conserved. In addition, this alteration is predicted to be tolerated by in silico analysis. Since supporting evidence is limited at this time, the clinical significance of this alteration remains unclear.

NM_001082486.1(ACD):c.85C>G (p.Leu29Val)

Genes: ACD (ACD shelterin complex subunit and telomerase recruitment factor; minus strand), LOC130059224 (ATAC-STARR-seq lymphoblastoid silent region 7617; plus strand). Cytogenetic location: 16q22.1.
Variant type: single nucleotide variant.
Coding change: c.85C>G on transcript NM_001082486.1; coding-DNA position 85, C replaced by G.
Protein change: p.Leu29Val; replaces leucine 29 with valine.
Genome position (GRCh38, 1-based): chr16:67,660,394, G>C on the plus strand (C>G on the coding strand, the complement: ACD is on the minus strand). VCF-style: chr16-67660394-G-C. GRCh37 (hg19) VCF-style: chr16-67694297-G-C.
Other names: short protein forms L29V.
Identifiers: ClinVar variation 3232688 (VCV003232688.1), dbSNP rs779591340, ClinGen allele CA8114923.
Genomic context (GRCh38, chr16:67,660,394, plus strand): 5'-CCCGCCCACGTACACCCCGCGCCTGCGCACGAGGGCGTCCTGCTCGGGGGCCTGTGTGCA[G>C]ACTCCCGCTGGTCCACCCCGCTGGTGCACGGGATGCTGGCCCGTTTACTCTCATCGCGGC-3'